The following is an entry in ClinVar:

ClinVar aggregate classification (germline): Likely benign. Review status: criteria provided, multiple submitters, no conflicts (2 of 4 stars). 2 submissions from 2 submitters: Likely benign (2). Last evaluated 2026-09-08.

Conditions:
Epidermolysis bullosa simplex 5C, with pyloric atresia (EBS5C). Also called: PLEC-Related Epidermolysis Bullosa with Pyloric Atresia; Epidermolysis bullosa simplex with pyloric atresia; PLEC1-Related Epidermolysis Bullosa with Pyloric Atresia. Identifiers: Orphanet 158684, MedGen C2677349, MONDO:0012807, OMIM 612138.
Epidermolysis bullosa simplex with nail dystrophy (EBS5D). Identifiers: MedGen C4225309, MONDO:0014661, OMIM 616487.
Epidermolysis bullosa simplex 5B, with muscular dystrophy (EBS5B). Also called: EPIDERMOLYSIS BULLOSA SIMPLEX AND LIMB-GIRDLE MUSCULAR DYSTROPHY; Epidermolysis bullosa simplex with muscular dystrophy. Identifiers: Orphanet 257, MedGen C2931072, MONDO:0009181, OMIM 226670.
Epidermolysis bullosa simplex, Ogna type (EBS5A). Also called: Pidermolysis bullosa simplex 5A, Ogna type; EPIDERMOLYSIS BULLOSA SIMPLEX 5A, OGNA TYPE. Identifiers: Orphanet 79401, MedGen C0432317, MONDO:0007555, OMIM 131950.
Autosomal recessive limb-girdle muscular dystrophy type 2Q (LGMDR17). Also called: MUSCULAR DYSTROPHY, LIMB-GIRDLE, AUTOSOMAL RECESSIVE 17. Identifiers: Orphanet 254361, MedGen C3150989, MONDO:0013390, OMIM 613723.
PLEC-related disorder. Also called: PLEC-related condition; PLEC-related disorders.

gnomAD v4.1: 10 of 1,558,596 alleles (0.00064%); highest among the groups gnomAD compares: Middle Eastern, 0.019%; no homozygotes.

Submissions (2):

PreventionGenetics, part of Exact Sciences
Classification: Likely benign for PLEC-related condition. Last evaluated: 2026-09-08. Review status: criteria provided, single submitter. Criteria: ACMG Guidelines, 2015. Collection method: clinical testing. Allele origin: germline.
Comment: This variant is classified as likely benign based on ACMG/AMP sequence variant interpretation guidelines (Richards et al. 2015 PMID: 25741868, with internal and published modifications).

Labcorp Genetics (formerly Invitae), Labcorp
Classification: Likely benign for Autosomal recessive limb-girdle muscular dystrophy type 2Q; Epidermolysis bullosa simplex, Ogna type; Epidermolysis bullosa simplex with nail dystrophy; Epidermolysis bullosa simplex 5C, with pyloric atresia; Epidermolysis bullosa simplex 5B, with muscular dystrophy. Last evaluated: 2024-02-15. Review status: criteria provided, single submitter. Criteria: Invitae Variant Classification Sherloc (09022015). Collection method: clinical testing. Allele origin: germline.

NM_201384.3(PLEC):c.4566G>A (p.Lys1522=)

Gene: PLEC (plectin; minus strand). Cytogenetic location: 8q24.3.
Variant type: single nucleotide variant.
Coding change: c.4566G>A on transcript NM_201384.3 (MANE Select); coding-DNA position 4566, G replaced by A.
Protein change: p.Lys1522=; no amino-acid change (lysine 1522 retained).
Molecular consequence: synonymous variant. On other transcripts: intron variant (1).
Genome position (GRCh38, 1-based): chr8:143,925,363, C>T on the plus strand (G>A on the coding strand, the complement: PLEC is on the minus strand). VCF-style: chr8-143925363-C-T. GRCh37 (hg19) VCF-style: chr8-144999531-C-T.
Other names: c.4647G>A, p.Lys1549= (NM_000445.5); c.4524G>A, p.Lys1508= (NM_201378.4); c.4500G>A, p.Lys1500= (NM_201379.3); c.4977G>A, p.Lys1659= (NM_201380.4); c.4470G>A, p.Lys1490= (NM_201381.3); c.4566G>A, p.Lys1522= (NM_201382.4); c.4578G>A, p.Lys1526= (NM_201383.3); c.4125+1421G>A (NM_001410941.1); and 1 more.
Identifiers: ClinVar variation 3760713 (VCV003760713.3).